The following is an entry in ClinVar:

NM_138694.4(PKHD1):c.9576C>T (p.Ser3192=)

Gene: PKHD1 (PKHD1 ciliary IPT domain containing fibrocystin/polyductin; minus strand). Cytogenetic location: 6p12.3.
Variant type: single nucleotide variant.
Coding change: c.9576C>T on transcript NM_138694.4 (MANE Select); coding-DNA position 9576, C replaced by T.
Protein change: p.Ser3192=; no amino-acid change (serine 3192 retained).
Molecular consequence: synonymous variant.
Genome position (GRCh38, 1-based): chr6:51,748,040, G>A on the plus strand (C>T on the coding strand, the complement: PKHD1 is on the minus strand). VCF-style: chr6-51748040-G-A. GRCh37 (hg19) VCF-style: chr6-51612838-G-A.
Other names: c.9576C>T, p.Ser3192= (NM_170724.3).
Identifiers: ClinVar variation 374478 (VCV000374478.16), dbSNP rs201670044, ClinGen allele CA3851368.

ClinVar aggregate classification (germline): Conflicting classifications of pathogenicity. Review status: criteria provided, conflicting classifications (1 of 4 stars). 4 submissions from 4 submitters: Uncertain significance (1); Likely benign (1). 2 of the submissions do not count toward it. Last evaluated 2025-11-05.

Conditions:
PKHD1-related disorder. Also called: PKHD1-related condition.
Autosomal recessive polycystic kidney disease (ARPKD). Also called: AR polycystic kidney disease. Identifiers: Orphanet 731, Orphanet 8378, MedGen C0085548, MeSH D017044, MONDO:0009889.

Allele frequency attached by ClinVar (database versions not stated): TOPMed 0.00004; ExAC 0.00005; gnomAD 0.00006; ESP Exome Variant Server 0.00023.
gnomAD v4.1: 25 of 1,614,032 alleles (0.0015%); highest among the groups gnomAD compares: African/African-American, 0.008%; no homozygotes.

Submissions (4):

Labcorp Genetics (formerly Invitae), Labcorp
Classification: Likely benign for Autosomal recessive polycystic kidney disease. Last evaluated: 2025-11-05. Review status: criteria provided, single submitter. Criteria: Invitae Variant Classification Sherloc (09022015). Collection method: clinical testing. Allele origin: germline.

CeGaT Center for Human Genetics Tuebingen
Classification: Uncertain significance. Last evaluated: 2016-08-31. Review status: criteria provided, single submitter. Criteria: Praxis fuer Humangenetik Tuebingen - Variant Classification Criteria. Collection method: clinical testing. Allele origin: germline. Affected: yes. Observed: 1 variant allele.

PreventionGenetics, part of Exact Sciences
Classification: Likely benign for PKHD1-related condition. Last evaluated: 2022-10-30. Review status: no assertion criteria provided. Collection method: clinical testing. Allele origin: germline. Not counted in ClinVar's aggregate classification.
Comment: This variant is classified as likely benign based on ACMG/AMP sequence variant interpretation guidelines (Richards et al. 2015 PMID: 25741868, with internal and published modifications).

Natera, Inc.
Classification: Likely benign for Autosomal recessive polycystic kidney disease. Last evaluated: 2020-09-16. Review status: no assertion criteria provided. Collection method: clinical testing. Allele origin: germline. Not counted in ClinVar's aggregate classification.